The following is an entry in ClinVar:

NM_000492.4(CFTR):c.1070C>T (p.Ala357Val)

Gene: CFTR (CF transmembrane conductance regulator; plus strand). Cytogenetic location: 7q31.2.
Variant type: single nucleotide variant.
Coding change: c.1070C>T on transcript NM_000492.4 (MANE Select); coding-DNA position 1070, C replaced by T.
Protein change: p.Ala357Val; replaces alanine 357 with valine.
Molecular consequence: missense variant.
Genome position (GRCh38, 1-based): chr7:117,540,300, C>T. VCF-style: chr7-117540300-C-T. GRCh37 (hg19) VCF-style: chr7-117180354-C-T.
Other names: short protein forms A357V.
Identifiers: ClinVar variation 2573422 (VCV002573422.2), dbSNP rs2485027108, ClinGen allele CA368978964.
Genomic context (GRCh38, chr7:117,540,300, plus strand): 5'-TCACCACCATCTCATTCTGCATTGTTCTGCGCATGGCGGTCACTCGGCAATTTCCCTGGG[C>T]TGTACAAACATGGTATGACTCTCTTGGAGCAATAAACAAAATACAGGTAATGTACCATAA-3'
Protein context (NP_000483.3, residues 347-367): RMAVTRQFPW[Ala357Val]VQTWYDSLGA

ClinVar aggregate classification (germline): Uncertain significance. Review status: criteria provided, multiple submitters, no conflicts (2 of 4 stars). 2 submissions from 2 submitters: Uncertain significance (2). Last evaluated 2023-06-26.

Submissions (2):

Women's Health and Genetics/Laboratory Corporation of America, LabCorp
Classification: Uncertain significance. Last evaluated: 2023-06-26. Review status: criteria provided, single submitter. Criteria: LabCorp Variant Classification Summary - May 2015. Collection method: clinical testing. Allele origin: germline.
Comment: Variant summary: CFTR c.1070C>T (p.Ala357Val) results in a non-conservative amino acid change in the encoded protein sequence. Four of five in-silico tools predict a damaging effect of the variant on protein function. The variant was absent in 251054 control chromosomes (gnomAD). c.1070C>T has been reported in the literature in individuals affected with Cystic Fibrosis and Congenital absence of the vas deferens (examples: Terzic_2019 and Fang_2022). These data indicate that the variant may be associated with disease. To our knowledge, no experimental evidence demonstrating an impact on protein function has been reported. The following publications have been ascertained in the context of this evaluation (PMID: 36437957, 31523618). No submitters have cited clinical-significance assessments for this variant to ClinVar after 2014. Based on the evidence outlined above, the variant was classified as VUS-possibly pathogenic.

ARUP Laboratories, Molecular Genetics and Genomics, ARUP Laboratories
Classification: Uncertain significance. Last evaluated: 2023-03-20. Review status: criteria provided, single submitter. Criteria: ARUP Molecular Germline Variant Investigation Process 2024. Collection method: clinical testing. Allele origin: germline.
Comment: The CFTR c.1070C>T; p.Ala357Val variant is reported in an individual with a mild CF phenotype, who carried F508del on the opposite allele (Terzic 2019). This variant is absent from the Genome Aggregation Database, indicating it is not a common polymorphism. Computational analyses are uncertain whether this variant is neutral or deleterious (REVEL: 0.646). Due to limited information, the clinical significance of this variant is uncertain at this time. References: Terzic M et al. Cystic Fibrosis Mutation Spectrum in North Macedonia: A Step Toward Personalized Therapy. Balkan J Med Genet. 2019 Aug 28;22(1):35-40. PMID: 31523618.

Literature cited by the submitters: PubMed 31523618 (cited by Women's Health and Genetics/Laboratory Corporation of America, LabCorp); PubMed 36437957 (cited by Women's Health and Genetics/Laboratory Corporation of America, LabCorp).